The following is an entry in ClinVar:

ClinVar aggregate classification (germline): Uncertain significance (1 of 4 stars; one submission).

Conditions:
Leukocyte adhesion deficiency 1 (LAD1). Also called: LEUKOCYTE ADHESION DEFICIENCY, TYPE I; LAD 1; Lymphocyte function-associated antigen 1 immunodeficiency; LFA 1 immunodeficiency. Identifiers: Orphanet 2968, Orphanet 99842, MedGen C0398738, MONDO:0007293, OMIM 116920.

Allele frequency attached by ClinVar (database versions not stated): gnomAD 0.00005 and 0.00006; ExAC 0.00006; gnomAD exomes 0.00006; TOPMed 0.00006; ESP Exome Variant Server 0.00008.
gnomAD v4.1: 98 of 1,614,044 alleles (0.0061%); highest among the groups gnomAD compares: Admixed American, 0.01%; no homozygotes.

Submission:

Labcorp Genetics (formerly Invitae), Labcorp
Classification: Uncertain significance for Leukocyte adhesion deficiency 1. Last evaluated: 2022-11-01. Review status: criteria provided, single submitter. Criteria: Invitae Variant Classification Sherloc (09022015). Collection method: clinical testing. Allele origin: germline.
Comment: This sequence change replaces arginine, which is basic and polar, with glutamine, which is neutral and polar, at codon 34 of the ITGB2 protein (p.Arg34Gln). This variant is present in population databases (rs140032296, gnomAD 0.01%). This variant has not been reported in the literature in individuals affected with ITGB2-related conditions. ClinVar contains an entry for this variant (Variation ID: 574784). Algorithms developed to predict the effect of missense changes on protein structure and function output the following: SIFT: "Tolerated"; PolyPhen-2: "Benign"; Align-GVGD: "Class C0". The glutamine amino acid residue is found in multiple mammalian species, which suggests that this missense change does not adversely affect protein function. In summary, the available evidence is currently insufficient to determine the role of this variant in disease. Therefore, it has been classified as a Variant of Uncertain Significance.

NM_000211.5(ITGB2):c.101G>A (p.Arg34Gln)

Gene: ITGB2 (integrin subunit beta 2; minus strand). Cytogenetic location: 21q22.3.
Variant type: single nucleotide variant.
Coding change: c.101G>A on transcript NM_000211.5 (MANE Select); coding-DNA position 101, G replaced by A.
Protein change: p.Arg34Gln; replaces arginine 34 with glutamine.
Molecular consequence: missense variant. On other transcripts: 5 prime UTR variant (1).
Genome position (GRCh38, 1-based): chr21:44,910,330, C>T on the plus strand (G>A on the coding strand, the complement: ITGB2 is on the minus strand). VCF-style: chr21-44910330-C-T. GRCh37 (hg19) VCF-style: chr21-46330245-C-T.
Other names: c.101G>A, p.Arg34Gln (NM_001127491.3); c.-107G>A (NM_001303238.2); short protein forms R34Q.
Identifiers: ClinVar variation 574784 (VCV000574784.6), dbSNP rs140032296, ClinGen allele CA10063401.